The following is an entry in ClinVar:

NM_018847.4(KLHL9):c.1384G>A (p.Glu462Lys)

Gene: KLHL9 (kelch like family member 9; minus strand). Cytogenetic location: 9p21.3.
Variant type: single nucleotide variant.
Coding change: c.1384G>A on transcript NM_018847.4 (MANE Select); coding-DNA position 1384, G replaced by A.
Protein change: p.Glu462Lys; replaces glutamic acid 462 with lysine.
Molecular consequence: missense variant.
Genome position (GRCh38, 1-based): chr9:21,333,476, C>T on the plus strand (G>A on the coding strand, the complement: KLHL9 is on the minus strand). VCF-style: chr9-21333476-C-T. GRCh37 (hg19) VCF-style: chr9-21333475-C-T.
Other names: short protein forms E462K.
Identifiers: ClinVar variation 2994892 (VCV002994892.3), dbSNP rs1820210654, ClinGen allele CA373068795.

ClinVar aggregate classification (germline): Uncertain significance (1 of 4 stars; one submission).

Allele frequency attached by ClinVar (database versions not stated): gnomAD exomes below 0.00001; TOPMed 0.00001; gnomAD 0.00002.

Submission:

Labcorp Genetics (formerly Invitae), Labcorp
Classification: Uncertain significance. Last evaluated: 2023-08-07. Review status: criteria provided, single submitter. Criteria: Invitae Variant Classification Sherloc (09022015). Collection method: clinical testing. Allele origin: germline.
Comment: This sequence change replaces glutamic acid, which is acidic and polar, with lysine, which is basic and polar, at codon 462 of the KLHL9 protein (p.Glu462Lys). This variant is not present in population databases (gnomAD no frequency). This variant has not been reported in the literature in individuals affected with KLHL9-related conditions. Advanced modeling of protein sequence and biophysical properties (such as structural, functional, and spatial information, amino acid conservation, physicochemical variation, residue mobility, and thermodynamic stability) performed at Invitae indicates that this missense variant is not expected to disrupt KLHL9 protein function. In summary, the available evidence is currently insufficient to determine the role of this variant in disease. Therefore, it has been classified as a Variant of Uncertain Significance.